The following is an entry in ClinVar:

NM_001614.5(ACTG1):c.701C>T (p.Ser234Phe)

Gene: ACTG1 (actin gamma 1; minus strand). Cytogenetic location: 17q25.3.
Variant type: single nucleotide variant.
Coding change: c.701C>T on transcript NM_001614.5 (MANE Select); coding-DNA position 701, C replaced by T.
Protein change: p.Ser234Phe; replaces serine 234 with phenylalanine.
Molecular consequence: missense variant. On other transcripts: non-coding transcript variant (1).
Genome position (GRCh38, 1-based): chr17:81,511,289, G>A on the plus strand (C>T on the coding strand, the complement: ACTG1 is on the minus strand). VCF-style: chr17-81511289-G-A. GRCh37 (hg19) VCF-style: chr17-79478315-G-A.
Other names: c.701C>T, p.Ser234Phe (NM_001199954.3); short protein forms S234F.
Identifiers: ClinVar variation 1297686 (VCV001297686.6), dbSNP rs11549179, ClinGen allele CA295068238.

ClinVar aggregate classification (germline): Uncertain significance. Review status: criteria provided, single submitter (1 of 4 stars). 3 submissions from 3 submitters: Uncertain significance (1). 2 of the submissions do not count toward it. Last evaluated 2023-06-01.

Conditions:
Baraitser-winter syndrome 2. Identifiers: Orphanet 2995, MedGen C3281235, MONDO:0013812, OMIM 614583.
Autosomal dominant nonsyndromic hearing loss 20. Identifiers: Orphanet 90635, MedGen C1858172, MONDO:0011480, OMIM 604717.

Allele frequency attached by ClinVar (database versions not stated): gnomAD exomes below 0.00001.
gnomAD v4.1: 7 of 1,613,866 alleles (0.00043%); highest among the groups gnomAD compares: Non-Finnish European, 0.00059%; no homozygotes.

Submissions (3):

Labcorp Genetics (formerly Invitae), Labcorp
Classification: Uncertain significance for Baraitser-winter syndrome 2; Autosomal dominant nonsyndromic hearing loss 20. Last evaluated: 2023-06-01. Review status: criteria provided, single submitter. Criteria: Invitae Variant Classification Sherloc (09022015). Collection method: clinical testing. Allele origin: germline.
Comment: This variant has not been reported in the literature in individuals affected with ACTG1-related conditions. In summary, the available evidence is currently insufficient to determine the role of this variant in disease. Therefore, it has been classified as a Variant of Uncertain Significance. Advanced modeling of protein sequence and biophysical properties (such as structural, functional, and spatial information, amino acid conservation, physicochemical variation, residue mobility, and thermodynamic stability) performed at Invitae indicates that this missense variant is not expected to disrupt ACTG1 protein function. ClinVar contains an entry for this variant (Variation ID: 1297686). This variant is present in population databases (rs11549179, gnomAD 0.0009%). This sequence change replaces serine, which is neutral and polar, with phenylalanine, which is neutral and non-polar, at codon 234 of the ACTG1 protein (p.Ser234Phe).

Diagnostic Laboratory, Department of Genetics, University Medical Center Groningen
Classification: Uncertain significance. Review status: no assertion criteria provided. Collection method: clinical testing. Allele origin: germline. Affected: yes. Study: VKGL Data-share Consensus. Not counted in ClinVar's aggregate classification.

Joint Genome Diagnostic Labs from Nijmegen and Maastricht, Radboudumc and MUMC+
Classification: Uncertain significance. Review status: no assertion criteria provided. Collection method: clinical testing. Allele origin: germline. Affected: yes. Study: VKGL Data-share Consensus. Not counted in ClinVar's aggregate classification.